The following is an entry in ClinVar:

NM_147127.5(EVC2):c.1204A>G (p.Ile402Val)

Genes: EVC2 (EvC ciliary complex subunit 2; minus strand), LOC126806961 (BRD4-independent group 4 enhancer GRCh37_chr4:5641443-5642642; plus strand). Cytogenetic location: 4p16.2.
Variant type: single nucleotide variant.
Coding change: c.1204A>G on transcript NM_147127.5 (MANE Select); coding-DNA position 1204, A replaced by G.
Protein change: p.Ile402Val; replaces isoleucine 402 with valine.
Molecular consequence: missense variant.
Genome position (GRCh38, 1-based): chr4:5,640,780, T>C on the plus strand (A>G on the coding strand, the complement: EVC2 is on the minus strand). VCF-style: chr4-5640780-T-C. GRCh37 (hg19) VCF-style: chr4-5642507-T-C.
Other names: c.1204A>G (NM_147127.4); c.964A>G, p.Ile322Val (NM_001166136.2); short protein forms I322V, I402V.
Identifiers: ClinVar variation 3762701 (VCV003762701.3).

ClinVar aggregate classification (germline): Uncertain significance. Review status: criteria provided, multiple submitters, no conflicts (2 of 4 stars). 2 submissions from 2 submitters: Uncertain significance (2). Last evaluated 2026-02-16.

Conditions:
Curry-Hall syndrome (WAD). Also called: WEYERS ACRODENTAL DYSOSTOSIS. Identifiers: Orphanet 952, MedGen C0457013, MONDO:0008673, OMIM 193530.
Ellis-van Creveld syndrome (EVC). Also called: MESOECTODERMAL DYSPLASIA; Chondroectodermal dysplasia. Identifiers: Orphanet 289, MedGen C0013903, MONDO:0009162, OMIM 225500.
Inborn genetic diseases. Identifiers: MedGen C0950123, MeSH D030342.

gnomAD v4.1: 2 of 1,614,192 alleles (0.00012%); highest among the groups gnomAD compares: Non-Finnish European, 0.00017%; no homozygotes.

Submissions (2):

Ambry Genetics
Classification: Uncertain significance for Inborn genetic diseases. Last evaluated: 2026-02-16. Review status: criteria provided, single submitter. Criteria: Ambry Variant Classification Scheme 2023. Collection method: clinical testing. Allele origin: germline.

Labcorp Genetics (formerly Invitae), Labcorp
Classification: Uncertain significance for Curry-Hall syndrome; Ellis-van Creveld syndrome. Last evaluated: 2025-03-31. Review status: criteria provided, single submitter. Criteria: Invitae Variant Classification Sherloc (09022015). Collection method: clinical testing. Allele origin: germline.
Comment: This sequence change replaces isoleucine, which is neutral and non-polar, with valine, which is neutral and non-polar, at codon 402 of the EVC2 protein (p.Ile402Val). This variant is not present in population databases (gnomAD no frequency). This variant has not been reported in the literature in individuals affected with EVC2-related conditions. An algorithm developed to predict the effect of missense changes on protein structure and function (PolyPhen-2) suggests that this variant is likely to be tolerated. In summary, the available evidence is currently insufficient to determine the role of this variant in disease. Therefore, it has been classified as a Variant of Uncertain Significance.